The following is an entry in ClinVar:

NM_004836.7(EIF2AK3):c.2110G>T (p.Ala704Ser)

Genes: EIF2AK3-AS1 (EIF2AK3 antisense RNA 1; plus strand), EIF2AK3 (eukaryotic translation initiation factor 2 alpha kinase 3; minus strand). Cytogenetic location: 2p11.2.
Variant type: single nucleotide variant.
Coding change: c.2110G>T on transcript NM_004836.7 (MANE Select); coding-DNA position 2110, G replaced by T.
Protein change: p.Ala704Ser; replaces alanine 704 with serine.
Molecular consequence: missense variant. On other transcripts: non-coding transcript variant (1).
Genome position (GRCh38, 1-based): chr2:88,575,373, C>A on the plus strand (G>T on the coding strand, the complement: EIF2AK3 is on the minus strand). VCF-style: chr2-88575373-C-A. GRCh37 (hg19) VCF-style: chr2-88874891-C-A.
Other names: c.1657G>T, p.Ala553Ser (NM_001313915.2); short protein forms A704S, A553S.
Identifiers: ClinVar variation 128986 (VCV000128986.26), dbSNP rs1805165, ClinGen allele CA152713.

ClinVar aggregate classification (germline): Benign. Review status: criteria provided, multiple submitters, no conflicts (2 of 4 stars). 10 submissions from 10 submitters: Benign (6). 4 of the submissions do not count toward it. Last evaluated 2026-02-04.

Conditions:
Wolcott-Rallison dysplasia. Also called: Wolcott-Rallison syndrome; MED-IDDM SYNDROME. Identifiers: Orphanet 1667, MedGen C0432217, MONDO:0009192, OMIM 226980.

Allele frequency attached by ClinVar (database versions not stated): ExAC 0.70206; 1000 Genomes Project 0.72065; 1000 Genomes Project 30x 0.72845; gnomAD 0.76783; TOPMed 0.77982; ESP Exome Variant Server 0.80171.
gnomAD v4.1: 1,160,817 of 1,613,760 alleles (72%); highest among the groups gnomAD compares: African/African-American, 95%; 421,807 homozygotes.

Submissions (10):

Labcorp Genetics (formerly Invitae), Labcorp
Classification: Benign. Last evaluated: 2026-02-04. Review status: criteria provided, single submitter. Criteria: Invitae Variant Classification Sherloc (09022015). Collection method: clinical testing. Allele origin: germline.

Blueprint Genetics
Classification: Benign. Last evaluated: 2024-11-26. Review status: criteria provided, single submitter. Criteria: ACMG Guidelines, 2015. Collection method: clinical testing. Allele origin: germline.

Genome-Nilou Lab
Classification: Benign for Wolcott-Rallison dysplasia. Last evaluated: 2021-07-30. Review status: criteria provided, single submitter. Criteria: ACMG Guidelines, 2015. Collection method: clinical testing. Allele origin: germline. Affected: no.

GeneDx
Classification: Benign. Last evaluated: 2018-11-11. Review status: criteria provided, single submitter. Criteria: GeneDx Variant Classification Process June 2021. Collection method: clinical testing. Allele origin: germline. Affected: yes.

Illumina Laboratory Services, Illumina
Classification: Benign for Wolcott-Rallison dysplasia. Last evaluated: 2018-01-13. Review status: criteria provided, single submitter. Criteria: ICSL Variant Classification Criteria 13 December 2019. Collection method: clinical testing. Allele origin: germline.
Comment: This variant was observed in the ICSL laboratory as part of a predisposition screen in an ostensibly healthy population. It had not been previously curated by ICSL or reported in the Human Gene Mutation Database (HGMD: prior to June 1st, 2018), and was therefore a candidate for classification through an automated scoring system. Utilizing variant allele frequency, disease prevalence and penetrance estimates, and inheritance mode, an automated score was calculated to assess if this variant is too frequent to cause the disease. Based on the score and internal cut-off values, a variant classified as benign is not then subjected to further curation. The score for this variant resulted in a classification of benign for this disease.

Breakthrough Genomics
Classification: Benign. Review status: criteria provided, single submitter. Criteria: ACMG Guidelines, 2015. Collection method: not provided. Allele origin: germline. Inheritance: Autosomal recessive inheritance. Affected: yes.

Clinical Genetics DNA and cytogenetics Diagnostics Lab, Erasmus MC, Erasmus Medical Center
Classification: Benign. Review status: no assertion criteria provided. Collection method: clinical testing. Allele origin: germline. Affected: yes. Study: VKGL Data-share Consensus. Not counted in ClinVar's aggregate classification.

Diagnostic Laboratory, Department of Genetics, University Medical Center Groningen
Classification: Benign for Wolcott-Rallison dysplasia. Review status: no assertion criteria provided. Collection method: clinical testing. Allele origin: germline. Affected: yes. Study: VKGL Data-share Consensus. Not counted in ClinVar's aggregate classification.

Genetic Services Laboratory, University of Chicago
Classification: Likely benign for AllHighlyPenetrant. Review status: no assertion criteria provided. Collection method: clinical testing. Allele origin: germline. Inheritance: Autosomal recessive inheritance. Not counted in ClinVar's aggregate classification.
Comment: Likely benign based on allele frequency in 1000 Genomes Project or ESP global frequency and its presence in a patient with a rare or unrelated disease phenotype. NOT Sanger confirmed.

Genome Diagnostics Laboratory, University Medical Center Utrecht
Classification: Benign. Review status: no assertion criteria provided. Collection method: clinical testing. Allele origin: germline. Affected: yes. Study: VKGL Data-share Consensus. Not counted in ClinVar's aggregate classification.